The following is an entry in ClinVar:

NM_000130.5(F5):c.5143C>T (p.Arg1715Ter)

Gene: F5 (coagulation factor V; minus strand). Cytogenetic location: 1q24.2.
Variant type: single nucleotide variant.
Coding change: c.5143C>T on transcript NM_000130.5 (MANE Select); coding-DNA position 5143, C replaced by T.
Protein change: p.Arg1715Ter; replaces arginine 1715 with a stop codon.
Molecular consequence: nonsense.
Genome position (GRCh38, 1-based): chr1:169,530,851, G>A on the plus strand (C>T on the coding strand, the complement: F5 is on the minus strand). VCF-style: chr1-169530851-G-A. GRCh37 (hg19) VCF-style: chr1-169500089-G-A.
Other names: short protein forms R1715*.
Identifiers: ClinVar variation 2884086 (VCV002884086.3), dbSNP rs746405100, ClinGen allele CA1233568.
Genomic context (GRCh38, chr1:169,530,851, plus strand): 5'-TCACAGCTGAGTAGTAGGCCCAAGCCCGACAGGCAGAGCCAGGACTTTCTGGCCCTGATC[G>A]CTCAGTGGCATGCCATACGTAGGTATAACTGCTATTTGGCTGAACAGCATTATCTTCCTT-3'

ClinVar aggregate classification (germline): Pathogenic (1 of 4 stars; one submission).

Conditions:
Congenital factor V deficiency. Also called: LABILE FACTOR DEFICIENCY; OWREN PARAHEMOPHILIA; PARAHEMOPHILIA; Hereditary factor V deficiency disease. Identifiers: Orphanet 326, MedGen C0015499, MONDO:0009210, OMIM 227400.

Allele frequency attached by ClinVar (database versions not stated): ExAC 0.00001; gnomAD exomes 0.00001; TOPMed 0.00002; gnomAD 0.00005.
gnomAD v4.1: 13 of 1,613,776 alleles (0.00081%); highest among the groups gnomAD compares: African/African-American, 0.013%; no homozygotes.

Submission:

Labcorp Genetics (formerly Invitae), Labcorp
Classification: Pathogenic for Congenital factor V deficiency. Last evaluated: 2023-11-21. Review status: criteria provided, single submitter. Criteria: Invitae Variant Classification Sherloc (09022015). Collection method: clinical testing. Allele origin: germline.
Comment: This sequence change creates a premature translational stop signal (p.Arg1715*) in the F5 gene. It is expected to result in an absent or disrupted protein product. Loss-of-function variants in F5 are known to be pathogenic (PMID: 30924984). This variant is present in population databases (rs746405100, gnomAD 0.02%). This variant has not been reported in the literature in individuals affected with F5-related conditions. For these reasons, this variant has been classified as Pathogenic.

Literature cited by the submitters: PubMed 30924984.